The following is an entry in ClinVar:

ClinVar aggregate classification (germline): Uncertain significance (1 of 4 stars; one submission).

Conditions:
Bethlem myopathy 1A. Also called: Bethlem Muscular Dystrophy; MYOPATHY, BENIGN CONGENITAL, WITH CONTRACTURES; Bethlem myopathy 1. Identifiers: Orphanet 610, MedGen CN029274, MONDO:0024530, OMIM 158810.

Allele frequency attached by ClinVar (database versions not stated): TOPMed 0.00001.

Submission:

Labcorp Genetics (formerly Invitae), Labcorp
Classification: Uncertain significance for Bethlem myopathy 1A. Last evaluated: 2025-10-09. Review status: criteria provided, single submitter. Criteria: Invitae Variant Classification Sherloc (09022015). Collection method: clinical testing. Allele origin: germline.
Comment: This sequence change replaces alanine, which is neutral and non-polar, with threonine, which is neutral and polar, at codon 134 of the COL6A3 protein (p.Ala134Thr). This variant is not present in population databases (gnomAD no frequency). This variant has not been reported in the literature in individuals affected with COL6A3-related conditions. ClinVar contains an entry for this variant (Variation ID: 2201361). Invitae Evidence Modeling of protein sequence and biophysical properties (such as structural, functional, and spatial information, amino acid conservation, physicochemical variation, residue mobility, and thermodynamic stability) indicates that this missense variant is not expected to disrupt COL6A3 protein function with a negative predictive value of 95%. In summary, the available evidence is currently insufficient to determine the role of this variant in disease. Therefore, it has been classified as a Variant of Uncertain Significance.

NM_004369.4(COL6A3):c.400G>A (p.Ala134Thr)

Gene: COL6A3 (collagen type VI alpha 3 chain; minus strand). Cytogenetic location: 2q37.3.
Variant type: single nucleotide variant.
Coding change: c.400G>A on transcript NM_004369.4 (MANE Select); coding-DNA position 400, G replaced by A.
Protein change: p.Ala134Thr; replaces alanine 134 with threonine.
Molecular consequence: missense variant. On other transcripts: intron variant (4).
Genome position (GRCh38, 1-based): chr2:237,394,896, C>T on the plus strand (G>A on the coding strand, the complement: COL6A3 is on the minus strand). VCF-style: chr2-237394896-C-T. GRCh37 (hg19) VCF-style: chr2-238303539-C-T.
Other names: c.91+1831G>A (NM_057166.5, NM_057167.4, NM_057164.5 and 1 more transcripts); short protein forms A134T.
Identifiers: ClinVar variation 2201361 (VCV002201361.4), dbSNP rs772302540, ClinGen allele CA351227168.